The following is an entry in ClinVar:

NM_001256007.3(PNPLA8):c.2219_2222del (p.Arg740fs)

Gene: PNPLA8 (patatin like domain 8, phospholipase A2; minus strand). Cytogenetic location: 7q31.1.
Variant type: Microsatellite.
Coding change: c.2219_2222del on transcript NM_001256007.3 (MANE Select); coding-DNA positions 2219 to 2222, 4 bases deleted (GAAA; older notation c.2219_2222delGAAA).
Protein change: p.Arg740fs; shifts the reading frame from arginine 740.
Molecular consequence: frameshift variant.
Genome position (GRCh38, 1-based): chr7:108,472,528-108,472,531, TTTC deleted on the plus strand (GAAA on the coding strand, the reverse complement: PNPLA8 is on the minus strand); deleting any 4 consecutive bases within chr7:108,472,528-108,472,536 gives the same sequence; the c. name uses the placement nearest the transcript's 3' end. VCF-style (leftmost placement, unchanged base first): chr7-108472527-ATTTC-A. GRCh37 (hg19) VCF-style: chr7-108112971-ATTTC-A.
Other names: c.2219_2222del, p.Arg740fs (NM_001256008.3, NM_015723.5); c.2033_2036del, p.Arg678fs (NM_001256009.3); c.1919_1922del, p.Arg640fs (NM_001256010.3, NM_001256011.3); short protein forms R640fs, R740fs, R678fs.
Identifiers: ClinVar variation 4733034 (VCV004733034.1).

ClinVar aggregate classification (germline): Pathogenic (1 of 4 stars; one submission).

Submission:

Labcorp Genetics (formerly Invitae), Labcorp
Classification: Pathogenic. Last evaluated: 2025-12-20. Review status: criteria provided, single submitter. Criteria: Invitae Variant Classification Sherloc (09022015). Collection method: clinical testing. Allele origin: germline.
Comment: This sequence change creates a premature translational stop signal (p.Arg740Metfs*5) in the PNPLA8 gene. While this is not anticipated to result in nonsense mediated decay, it is expected to disrupt the last 43 amino acid(s) of the PNPLA8 protein. This variant is not present in population databases (gnomAD no frequency). This variant has not been reported in the literature in individuals affected with PNPLA8-related conditions. This variant disrupts a region of the PNPLA8 protein in which other variant(s) (p.Leu759Alafs*4) have been determined to be pathogenic (PMID: 25512002, 29681094). This suggests that this is a clinically significant region of the protein, and that variants that disrupt it are likely to be disease-causing. For these reasons, this variant has been classified as Pathogenic.

Literature cited by the submitters: PubMed 25512002; PubMed 29681094.